The following is an entry in ClinVar:

NM_002524.5(NRAS):c.112-8A>G

Gene: NRAS (NRAS proto-oncogene, GTPase; minus strand). Cytogenetic location: 1p13.2.
Variant type: single nucleotide variant.
Coding change: c.112-8A>G on transcript NM_002524.5 (MANE Select); 8 bases into the intron before coding-DNA position 112, A replaced by G.
Molecular consequence: intron variant.
Genome position (GRCh38, 1-based): chr1:114,713,986, T>C on the plus strand (A>G on the coding strand, the complement: NRAS is on the minus strand). VCF-style: chr1-114713986-T-C. GRCh37 (hg19) VCF-style: chr1-115256607-T-C.
Other names: c.112-8A>G (LRG_92t1).
Identifiers: ClinVar variation 138538 (VCV000138538.47), dbSNP rs9724626, ClinGen allele CA292582.
Genomic context (GRCh38, chr1:114,713,986, plus strand): 5'-ATGTCCAACAAACAGGTTTCACCATCTATAACCACTTGTTTTCTGTAAGAATCCTGGGGG[T>C]GTGGAGGGTAAGGGGGCAGGGAGGGAGGGAAGTTCAATTTTTATTAAAAACCACAGGGAA-3'

ClinVar aggregate classification (germline): Likely benign. Review status: reviewed by expert panel (3 of 4 stars). 10 submissions from 10 submitters: Likely benign (1). 9 of the submissions do not count toward it. Last evaluated 2024-12-03.

Conditions:
Noonan syndrome and Noonan-related syndrome. Identifiers: Orphanet 98733, MedGen C5681679, MONDO:0020297.
NRAS-related disorder. Also called: NRAS-related condition.
RASopathy. Also called: Noonan spectrum disorder; rasopathies. Identifiers: Orphanet 536391, MedGen C5555857, MONDO:0021060.
Noonan syndrome 6 (NS6). Also called: NRAS-Related Noonan Syndrome. Identifiers: Orphanet 648, MedGen C2750732, MONDO:0013186, OMIM 613224.

Allele frequency attached by ClinVar (database versions not stated): gnomAD 0.00024 and 0.00025; gnomAD exomes 0.00025; TOPMed 0.00027; ExAC 0.00034; ESP Exome Variant Server 0.00038.
gnomAD v4.1: 529 of 1,340,490 alleles (0.039%); highest among the groups gnomAD compares: Non-Finnish European, 0.051%; no homozygotes.

Submissions (10):

ClinGen RASopathy Variant Curation Expert Panel
Classification: Likely benign for RASopathy. Last evaluated: 2024-12-03. Review status: reviewed by expert panel. Criteria: ClinGen RASopathy ACMG Specifications NRAS V2.3.0. Collection method: curation. Allele origin: germline. Inheritance: Autosomal dominant inheritance.
Comment: The NM_002524.5:c.112-8A>G variant is an intronic variant that is not predicted by SpliceAI to impact splicing. In addition, it occurs at a nucleotide that is not conserved as shown by UCSC Genome Browser (BP4, BP7). The filtering allele frequency (the lower threshold of the 95% CI of 62/127294) of the c.112-8A>G variant in NRAS is 0.0003711 for European (non-Finnish) chromosomes by gnomAD v2.1.1, which is higher than the ClinGen RASopathy VCEP threshold (≥0.00025) for BS1, and therefore meets this criterion (BS1). In summary, this variant meets the criteria to be classified as likely benign for autosomal dominant RASopathy based on the ACMG/AMP criteria applied, as specified by the ClinGen RASopathy VCEP: BS1, BP4, BP7. (ClinGen RASopathy VCEP specifications version 2.3; 12/3/2024)

Labcorp Genetics (formerly Invitae), Labcorp
Classification: Likely benign for RASopathy. Last evaluated: 2026-01-14. Review status: criteria provided, single submitter. Criteria: Invitae Variant Classification Sherloc (09022015). Collection method: clinical testing. Allele origin: germline. Not counted in ClinVar's aggregate classification.

ARUP Laboratories, Molecular Genetics and Genomics, ARUP Laboratories
Classification: Likely benign. Last evaluated: 2025-01-21. Review status: criteria provided, single submitter. Criteria: ARUP Molecular Germline Variant Investigation Process 2024. Collection method: clinical testing. Allele origin: germline. Not counted in ClinVar's aggregate classification.

Blueprint Genetics
Classification: Likely benign. Last evaluated: 2024-08-26. Review status: criteria provided, single submitter. Criteria: ACMG Guidelines, 2015. Collection method: clinical testing. Allele origin: germline. Not counted in ClinVar's aggregate classification.

CeGaT Center for Human Genetics Tuebingen
Classification: Likely benign. Last evaluated: 2022-07-01. Review status: criteria provided, single submitter. Criteria: CeGaT Center For Human Genetics Tuebingen Variant Classification Criteria Version 2. Collection method: clinical testing. Allele origin: germline. Affected: yes. Observed: 1 variant allele. Not counted in ClinVar's aggregate classification.
Comment: NRAS: BP4

Genome Diagnostics Laboratory, The Hospital for Sick Children
Classification: Likely benign for Noonan syndrome and Noonan-related syndrome. Last evaluated: 2020-05-01. Review status: criteria provided, single submitter. Criteria: ACMG Guidelines, 2015. Collection method: clinical testing. Allele origin: germline. Not counted in ClinVar's aggregate classification.

Illumina Laboratory Services, Illumina
Classification: Uncertain significance for Noonan syndrome 6. Last evaluated: 2017-04-27. Review status: criteria provided, single submitter. Criteria: ICSL Variant Classification Criteria 13 December 2019. Collection method: clinical testing. Allele origin: germline. Not counted in ClinVar's aggregate classification.

Women's Health and Genetics/Laboratory Corporation of America, LabCorp
Classification: Benign. Last evaluated: 2017-04-10. Review status: criteria provided, single submitter. Criteria: LabCorp Variant Classification Summary - May 2015. Collection method: clinical testing. Allele origin: germline. Not counted in ClinVar's aggregate classification.
Comment: Variant summary: c.112-8A>G in NRAS gene is an intronic change that involves a non-conserved nucleotide. 5/5 programs in Alamut predict that this variant does not affect a normal splicing pattern, however no functional studies supporting this notion were published at the time of evaluation. The variant is present in the control population dataset of ExAC at frequency of 0.0003356 (140/119188 chrs tested), predominantly in individuals of European descent (0.0005757; 38/66004 chrs tested). The observed frequencies exceed the maximum expected allele frequency for a pathogenic variant of 0.0000025 suggesting that it is a benign polymorphism. The variant of interest has not, to our knowledge, been reported in affected individuals in published reports but cited as Benign by a reputable database/clinical laboratory. Taking together, based on the prevalence of this variant in general population the variant was classified as Benign.

GeneDx
Classification: Benign. Last evaluated: 2012-03-18. Review status: criteria provided, single submitter. Criteria: GeneDx Variant Classification (06012015). Collection method: clinical testing. Allele origin: germline. Affected: yes. Not counted in ClinVar's aggregate classification.
Comment: This variant is considered likely benign or benign based on one or more of the following criteria: it is a conservative change, it occurs at a poorly conserved position in the protein, it is predicted to be benign by multiple in silico algorithms, and/or has population frequency not consistent with disease.

PreventionGenetics, part of Exact Sciences
Classification: Likely benign for NRAS-related condition. Last evaluated: 2019-08-05. Review status: no assertion criteria provided. Collection method: clinical testing. Allele origin: germline. Not counted in ClinVar's aggregate classification.
Comment: This variant is classified as likely benign based on ACMG/AMP sequence variant interpretation guidelines (Richards et al. 2015 PMID: 25741868, with internal and published modifications).